The following is an entry in ClinVar:

ClinVar aggregate classification (germline): Uncertain significance (1 of 4 stars; one submission).

Conditions:
Hereditary cancer-predisposing syndrome. Also called: Hereditary neoplastic syndrome; Neoplastic Syndromes, Hereditary; Tumor predisposition; Hereditary Cancer Syndrome. Identifiers: Orphanet 140162, MedGen C0027672, MeSH D009386, MONDO:0015356.

Submission:

Ambry Genetics
Classification: Uncertain significance for Hereditary cancer-predisposing syndrome. Last evaluated: 2025-02-03. Review status: criteria provided, single submitter. Criteria: Ambry Variant Classification Scheme 2023. Collection method: clinical testing. Allele origin: germline.
Comment: The p.W457C variant (also known as c.1371G>T), located in coding exon 15 of the CDC73 gene, results from a G to T substitution at nucleotide position 1371. The tryptophan at codon 457 is replaced by cysteine, an amino acid with highly dissimilar properties. This amino acid position is conserved. In addition, this alteration is predicted to be deleterious by in silico analysis. Based on the available evidence, the clinical significance of this variant remains unclear.

NM_024529.5(CDC73):c.1371G>T (p.Trp457Cys)

Gene: CDC73 (cell division cycle 73; plus strand). Cytogenetic location: 1q31.2.
Variant type: single nucleotide variant.
Coding change: c.1371G>T on transcript NM_024529.5 (MANE Select); coding-DNA position 1371, G replaced by T.
Protein change: p.Trp457Cys; replaces tryptophan 457 with cysteine.
Molecular consequence: missense variant.
Genome position (GRCh38, 1-based): chr1:193,236,310, G>T. VCF-style: chr1-193236310-G-T. GRCh37 (hg19) VCF-style: chr1-193205440-G-T.
Other names: short protein forms W457C.
Identifiers: ClinVar variation 3829894 (VCV003829894.1).